The following is an entry in ClinVar:

NM_004055.5(CAPN5):c.1304G>A (p.Arg435His)

Gene: CAPN5 (calpain 5; plus strand). Cytogenetic location: 11q13.5.
Variant type: single nucleotide variant.
Coding change: c.1304G>A on transcript NM_004055.5 (MANE Select); coding-DNA position 1304, G replaced by A.
Protein change: p.Arg435His; replaces arginine 435 with histidine.
Molecular consequence: missense variant.
Genome position (GRCh38, 1-based): chr11:77,120,726, G>A. VCF-style: chr11-77120726-G-A. GRCh37 (hg19) VCF-style: chr11-76831772-G-A.
Other names: short protein forms R435H.
Identifiers: ClinVar variation 1425173 (VCV001425173.6), dbSNP rs781926169, ClinGen allele CA381942786.

ClinVar aggregate classification (germline): Uncertain significance (1 of 4 stars; one submission).

Allele frequency attached by ClinVar (database versions not stated): gnomAD 0.00001; TOPMed 0.00001.
gnomAD v4.1: 11 of 1,608,600 alleles (0.00068%); highest among the groups gnomAD compares: East Asian, 0.0045%; no homozygotes.

Submission:

Labcorp Genetics (formerly Invitae), Labcorp
Classification: Uncertain significance. Last evaluated: 2022-08-23. Review status: criteria provided, single submitter. Criteria: Invitae Variant Classification Sherloc (09022015). Collection method: clinical testing. Allele origin: germline.
Comment: In summary, the available evidence is currently insufficient to determine the role of this variant in disease. Therefore, it has been classified as a Variant of Uncertain Significance. Algorithms developed to predict the effect of missense changes on protein structure and function are either unavailable or do not agree on the potential impact of this missense change (SIFT: "Deleterious"; PolyPhen-2: "Probably Damaging"; Align-GVGD: "Class C0"). ClinVar contains an entry for this variant (Variation ID: 1425173). This variant has not been reported in the literature in individuals affected with CAPN5-related conditions. This variant is present in population databases (no rsID available, gnomAD 0.01%). This sequence change replaces arginine, which is basic and polar, with histidine, which is basic and polar, at codon 435 of the CAPN5 protein (p.Arg435His).